The following is an entry in ClinVar:

ClinVar aggregate classification (germline): Benign. Review status: criteria provided, multiple submitters, no conflicts (2 of 4 stars). 6 submissions from 6 submitters: Benign (6). Last evaluated 2025-08-18.

Conditions:
Cone-rod synaptic disorder, congenital nonprogressive. Also called: NIGHT BLINDNESS, CONGENITAL STATIONARY, INCOMPLETE, AUTOSOMAL RECESSIVE. Identifiers: Orphanet 215, MedGen C4041558, MONDO:0012490, OMIM 610427.

Allele frequency attached by ClinVar (database versions not stated): ESP Exome Variant Server 0.26832; 1000 Genomes Project 0.50659; 1000 Genomes Project 30x 0.52327; TOPMed 0.55091.
gnomAD v4.1: 703,569 of 1,607,472 alleles (44%); highest among the groups gnomAD compares: African/African-American, 81%; 162,284 homozygotes.

Submissions (6):

Labcorp Genetics (formerly Invitae), Labcorp
Classification: Benign. Last evaluated: 2025-08-18. Review status: criteria provided, single submitter. Criteria: Invitae Variant Classification Sherloc (09022015). Collection method: clinical testing. Allele origin: germline.

Blueprint Genetics
Classification: Benign. Last evaluated: 2024-11-27. Review status: criteria provided, single submitter. Criteria: ACMG Guidelines, 2015. Collection method: clinical testing. Allele origin: germline.

Genome-Nilou Lab
Classification: Benign for Cone-rod synaptic disorder, congenital nonprogressive. Last evaluated: 2021-07-14. Review status: criteria provided, single submitter. Criteria: ACMG Guidelines, 2015. Collection method: clinical testing. Allele origin: germline. Affected: no.

GeneDx
Classification: Benign. Last evaluated: 2018-07-05. Review status: criteria provided, single submitter. Criteria: GeneDx Variant Classification Process June 2021. Collection method: clinical testing. Allele origin: germline. Affected: yes.

Illumina Laboratory Services, Illumina
Classification: Benign for Cone-rod synaptic disorder, congenital nonprogressive. Last evaluated: 2018-01-13. Review status: criteria provided, single submitter. Criteria: ICSL Variant Classification Criteria 13 December 2019. Collection method: clinical testing. Allele origin: germline.
Comment: This variant was observed in the ICSL laboratory as part of a predisposition screen in an ostensibly healthy population. It had not been previously curated by ICSL or reported in the Human Gene Mutation Database (HGMD: prior to June 1st, 2018), and was therefore a candidate for classification through an automated scoring system. Utilizing variant allele frequency, disease prevalence and penetrance estimates, and inheritance mode, an automated score was calculated to assess if this variant is too frequent to cause the disease. Based on the score and internal cut-off values, a variant classified as benign is not then subjected to further curation. The score for this variant resulted in a classification of benign for this disease.

Breakthrough Genomics
Classification: Benign. Review status: criteria provided, single submitter. Criteria: ACMG Guidelines, 2015. Collection method: not provided. Allele origin: germline. Inheritance: Autosomal recessive inheritance. Affected: yes.

NM_145200.5(CABP4):c.541+8A>C

Gene: CABP4 (calcium binding protein 4; plus strand). Cytogenetic location: 11q13.2.
Variant type: single nucleotide variant.
Coding change: c.541+8A>C on transcript NM_145200.5 (MANE Select); 8 bases into the intron after coding-DNA position 541, A replaced by C.
Molecular consequence: intron variant.
Genome position (GRCh38, 1-based): chr11:67,456,450, A>C. VCF-style: chr11-67456450-A-C. GRCh37 (hg19) VCF-style: chr11-67223921-A-C.
Other names: c.226+8A>C (NM_001379183.1, NM_001300896.3, NM_001300895.3).
Identifiers: ClinVar variation 305655 (VCV000305655.19), dbSNP rs1638565, ClinGen allele CA6140251.
Genomic context (GRCh38, chr11:67,456,450, plus strand): 5'-CATGCCCACCGAGATGGAGCTCCTGGAGGTCTCGCAGCACATCAAGATGCGCAGTCAGTC[A>C]GGGAGCCCGCCCGCCCGGGCAGCCTGCGTAGTTCAGGGGGTCACGAGGGGCTGGCAGGAG-3'